The following is an entry in ClinVar:

NM_005157.6(ABL1):c.244A>C (p.Ile82Leu)

Gene: ABL1 (ABL proto-oncogene 1, non-receptor tyrosine kinase; plus strand). Cytogenetic location: 9q34.12.
Variant type: single nucleotide variant.
Coding change: c.244A>C on transcript NM_005157.6 (MANE Select); coding-DNA position 244, A replaced by C.
Protein change: p.Ile82Leu; replaces isoleucine 82 with leucine.
Molecular consequence: missense variant.
Genome position (GRCh38, 1-based): chr9:130,854,228, A>C. VCF-style: chr9-130854228-A-C. GRCh37 (hg19) VCF-style: chr9-133729615-A-C.
Other names: c.301A>C, p.Ile101Leu (NM_007313.3); short protein forms I101L, I82L.
Identifiers: ClinVar variation 3633235 (VCV003633235.2).

ClinVar aggregate classification (germline): Uncertain significance (1 of 4 stars; one submission).

Submission:

Labcorp Genetics (formerly Invitae), Labcorp
Classification: Uncertain significance. Last evaluated: 2025-12-03. Review status: criteria provided, single submitter. Criteria: Invitae Variant Classification Sherloc (09022015). Collection method: clinical testing. Allele origin: germline.
Comment: This sequence change replaces isoleucine, which is neutral and non-polar, with leucine, which is neutral and non-polar, at codon 101 of the ABL1 protein (p.Ile101Leu). This variant is not present in population databases (gnomAD no frequency). This variant has not been reported in the literature in individuals affected with ABL1-related conditions. ClinVar contains an entry for this variant (Variation ID: 3633235). Invitae Evidence Modeling of protein sequence and biophysical properties (such as structural, functional, and spatial information, amino acid conservation, physicochemical variation, residue mobility, and thermodynamic stability) has been performed for this missense variant. However, the output from this modeling did not meet the statistical confidence thresholds required to predict the impact of this variant on ABL1 protein function. In summary, the available evidence is currently insufficient to determine the role of this variant in disease. Therefore, it has been classified as a Variant of Uncertain Significance.